The following is an entry in ClinVar:

ClinVar aggregate classification (germline): Uncertain significance (1 of 4 stars; one submission).

Allele frequency attached by ClinVar (database versions not stated): gnomAD 0.00001; gnomAD exomes 0.00001; TOPMed 0.00001.
gnomAD v4.1: 13 of 1,614,032 alleles (0.00081%); highest among the groups gnomAD compares: Non-Finnish European, 0.0011%; no homozygotes.

Submission:

Labcorp Genetics (formerly Invitae), Labcorp
Classification: Uncertain significance. Last evaluated: 2024-02-24. Review status: criteria provided, single submitter. Criteria: Invitae Variant Classification Sherloc (09022015). Collection method: clinical testing. Allele origin: germline.
Comment: This sequence change replaces isoleucine, which is neutral and non-polar, with threonine, which is neutral and polar, at codon 815 of the ERBB4 protein (p.Ile815Thr). This variant is present in population databases (no rsID available, gnomAD 0.0009%). This variant has not been reported in the literature in individuals affected with ERBB4-related conditions. ClinVar contains an entry for this variant (Variation ID: 1469347). Advanced modeling of protein sequence and biophysical properties (such as structural, functional, and spatial information, amino acid conservation, physicochemical variation, residue mobility, and thermodynamic stability) performed at Invitae indicates that this missense variant is expected to disrupt ERBB4 protein function with a positive predictive value of 80%. In summary, the available evidence is currently insufficient to determine the role of this variant in disease. Therefore, it has been classified as a Variant of Uncertain Significance.

NM_005235.3(ERBB4):c.2444T>C (p.Ile815Thr)

Gene: ERBB4 (erb-b2 receptor tyrosine kinase 4; minus strand). Cytogenetic location: 2q34.
Variant type: single nucleotide variant.
Coding change: c.2444T>C on transcript NM_005235.3 (MANE Select); coding-DNA position 2444, T replaced by C.
Protein change: p.Ile815Thr; replaces isoleucine 815 with threonine.
Molecular consequence: missense variant.
Genome position (GRCh38, 1-based): chr2:211,561,946, A>G on the plus strand (T>C on the coding strand, the complement: ERBB4 is on the minus strand). VCF-style: chr2-211561946-A-G. GRCh37 (hg19) VCF-style: chr2-212426671-A-G.
Other names: c.2444T>C, p.Ile815Thr (NM_001042599.2); short protein forms I815T.
Identifiers: ClinVar variation 1469347 (VCV001469347.6), dbSNP rs1264168721, ClinGen allele CA350781246.